The following is an entry in ClinVar:

NM_144997.7(FLCN):c.767C>A (p.Thr256Asn)

Gene: FLCN (folliculin; minus strand). Cytogenetic location: 17p11.2.
Variant type: single nucleotide variant.
Coding change: c.767C>A on transcript NM_144997.7 (MANE Select); coding-DNA position 767, C replaced by A.
Protein change: p.Thr256Asn; replaces threonine 256 with asparagine.
Molecular consequence: missense variant.
Genome position (GRCh38, 1-based): chr17:17,222,513, G>T on the plus strand (C>A on the coding strand, the complement: FLCN is on the minus strand). VCF-style: chr17-17222513-G-T. GRCh37 (hg19) VCF-style: chr17-17125827-G-T.
Other names: c.821C>A, p.Thr274Asn (NM_001353229.2); c.767C>A, p.Thr256Asn (NM_001353230.2, NM_001353231.2, NM_144606.7); short protein forms T256N, T274N.
Identifiers: ClinVar variation 5021839 (VCV005021839.1).

ClinVar aggregate classification (germline): Uncertain significance (1 of 4 stars; one submission).

Conditions:
Hereditary cancer-predisposing syndrome. Also called: Neoplastic Syndromes, Hereditary; Tumor predisposition; Hereditary neoplastic syndrome; Hereditary Cancer Syndrome. Identifiers: Orphanet 140162, MedGen C0027672, MeSH D009386, MONDO:0015356.

Submission:

Ambry Genetics
Classification: Uncertain significance for Hereditary cancer-predisposing syndrome. Last evaluated: 2026-07-07. Review status: criteria provided, single submitter. Criteria: Ambry Variant Classification Scheme 2023. Collection method: clinical testing. Allele origin: germline.
Comment: The p.T256N variant (also known as c.767C>A), located in coding exon 4 of the FLCN gene, results from a C to A substitution at nucleotide position 767. The threonine at codon 256 is replaced by asparagine, an amino acid with similar properties. This amino acid position is conserved. In addition, the in silico prediction for this alteration is inconclusive. Based on the available evidence, the clinical significance of this variant remains unclear.